The following is an entry in ClinVar:

NM_000088.4(COL1A1):c.2908_2911del (p.Arg970fs)

Gene: COL1A1 (collagen type I alpha 1 chain; minus strand). Cytogenetic location: 17q21.33.
Variant type: Microsatellite.
Coding change: c.2908_2911del on transcript NM_000088.4 (MANE Select); coding-DNA positions 2908 to 2911, 4 bases deleted (AGAG; older notation c.2908_2911delAGAG).
Protein change: p.Arg970fs; shifts the reading frame from arginine 970.
Molecular consequence: frameshift variant.
Genome position (GRCh38, 1-based): chr17:50,189,194-50,189,197, CTCT deleted on the plus strand (AGAG on the coding strand, the reverse complement: COL1A1 is on the minus strand); deleting any 4 consecutive bases within chr17:50,189,194-50,189,202 gives the same sequence; the c. name uses the placement nearest the transcript's 3' end. VCF-style (leftmost placement, unchanged base first): chr17-50189193-CCTCT-C. GRCh37 (hg19) VCF-style: chr17-48266554-CCTCT-C.
Other names: c.2908_2911delAGAG (NM_000088.3); short protein forms R970fs.
Identifiers: ClinVar variation 456758 (VCV000456758.10), dbSNP rs1555572401, ClinGen allele CA658656703.

ClinVar aggregate classification (germline): Pathogenic. Review status: criteria provided, multiple submitters, no conflicts (2 of 4 stars). 3 submissions from 3 submitters: Pathogenic (3). Last evaluated 2022-05-22.

Conditions:
Osteogenesis imperfecta type III (OI3). Also called: Osteogenesis imperfecta type 3; OI type 3; Osteogenesis imperfecta, progressively deforming with normal sclerae; OI type III; Progressively Deforming Osteogenesis Imperfecta. Identifiers: Orphanet 216812, Orphanet 666, MedGen C0268362, MONDO:0009804, OMIM 259420.
Osteogenesis imperfecta type I (OI1). Also called: OI, TYPE I; OSTEOGENESIS IMPERFECTA TARDA; OSTEOGENESIS IMPERFECTA WITH BLUE SCLERAE; Osteogenesis imperfecta type 1; Lobstein's Disease; Lobstein disease. Identifiers: Orphanet 216796, Orphanet 666, MedGen C0023931, MONDO:0008146, OMIM 166200. Disease mechanism: loss of function.

Submissions (3):

3billion
Classification: Pathogenic for Osteogenesis imperfecta type III. Last evaluated: 2022-05-22. Review status: criteria provided, single submitter. Criteria: ACMG Guidelines, 2015. Collection method: clinical testing. Allele origin: germline. Affected: yes. Observed: 1 heterozygote.
Comment: The variant is not observed in the gnomAD v2.1.1 dataset. Frameshift: predicted to result in a loss or disruption of normal protein function through nonsense-mediated decay (NMD) or protein truncation. Multiple pathogenic variants are reported downstream of the variant. The variant has been reported to be associated with COL1A1 related disorder (ClinVar ID: VCV000456758). Therefore, this variant is classified as pathogenic according to the recommendation of ACMG/AMP guideline.

Genetics and Molecular Pathology, SA Pathology
Classification: Pathogenic for Osteogenesis imperfecta type I. Last evaluated: 2020-11-27. Review status: criteria provided, single submitter. Criteria: ACMG Guidelines, 2015. Collection method: clinical testing. Allele origin: germline. Inheritance: Autosomal dominant inheritance. Affected: yes.
Comment: The COL1A1 c.2908_2911del variant is classified as a PATHOGENIC variant (PVS1, PM2, PP4) The COL1A1 c.2908_2911del deletes 4 nucleotides from exon 40 of the COL1A1 mRNA causing a frameshift at codon 970. This creates a premature translational stop signal (p.Arg970Alafs*137) and is expected to result in an absent or disrupted protein product. This variant has been reported in a patient with Osteogenesis imperfecta (PMID: 30715774) and other loss-of-function variants in COL1A1 are known to be pathogenic (PMID: 2794057) (PVS1). The variant has been reported in ClinVar as pathogenic by another diagnostic laboratory (Variation ID: VCV000456758), and HGMD as damaging for Osteogenesis imperfecta (CD194665). The variant has not been reported in dbSNP and is absent from population databases (PM2).

Labcorp Genetics (formerly Invitae), Labcorp
Classification: Pathogenic for Osteogenesis imperfecta type I. Last evaluated: 2017-08-20. Review status: criteria provided, single submitter. Criteria: Invitae Variant Classification Sherloc (09022015). Collection method: clinical testing. Allele origin: germline.
Comment: While this particular variant has not been reported in the literature, loss-of-function variants in COL1A1 are known to be pathogenic (PMID: 2794057). For these reasons, this variant has been classified as Pathogenic. This sequence change deletes 4 nucleotide from exon 40 of the COL1A1 mRNA (c.2908_2911delAGAG), causing a frameshift at codon 970. This creates a premature translational stop signal (p.Arg970Alafs*137) and is expected to result in an absent or disrupted protein product.

Literature cited by the submitters: PubMed 2794057 (cited by Genetics and Molecular Pathology, SA Pathology and Labcorp Genetics (formerly Invitae), Labcorp); PubMed 30715774 (cited by Genetics and Molecular Pathology, SA Pathology).